The following is an entry in ClinVar:

ClinVar aggregate classification (germline): Benign/Likely benign. Review status: criteria provided, multiple submitters, no conflicts (2 of 4 stars). 3 submissions from 3 submitters: Benign (1); Likely benign (2). Last evaluated 2025-10-25.

Conditions:
Renal cell carcinoma. Identifiers: Orphanet 217071, MedGen C0007134, MeSH D002292, MONDO:0005086, HP:0005584.
Papillary renal cell carcinoma type 1 (RCCP1). Also called: Renal adenocarcinoma; Renal cell carcinoma 1; Renal cell carcinoma, somatic; RENAL CELL CARCINOMA, PAPILLARY, 1, SOMATIC. Identifiers: Orphanet 47044, MedGen C1336839, OMIM 605074, HP:0011797.
Hereditary cancer-predisposing syndrome. Also called: Hereditary neoplastic syndrome; Hereditary Cancer Syndrome; Tumor predisposition; Neoplastic Syndromes, Hereditary. Identifiers: Orphanet 140162, MedGen C0027672, MeSH D009386, MONDO:0015356.

Allele frequency attached by ClinVar (database versions not stated): gnomAD exomes below 0.00001; TOPMed 0.00001.

Submissions (3):

Labcorp Genetics (formerly Invitae), Labcorp
Classification: Likely benign for Renal cell carcinoma. Last evaluated: 2025-10-25. Review status: criteria provided, single submitter. Criteria: Invitae Variant Classification Sherloc (09022015). Collection method: clinical testing. Allele origin: germline.

Myriad Genetics, Inc.
Classification: Benign for Papillary renal cell carcinoma type 1. Last evaluated: 2024-11-08. Review status: criteria provided, single submitter. Criteria: Myriad Autosomal Dominant, Autosomal Recessive and X-Linked Classification Criteria (2023). Collection method: clinical testing. Allele origin: unknown.
Comment: This variant is considered benign. This variant is a silent/synonymous amino acid change and it is not expected to impact splicing.

Ambry Genetics
Classification: Likely benign for Hereditary cancer-predisposing syndrome. Last evaluated: 2021-06-22. Review status: criteria provided, single submitter. Criteria: Ambry Variant Classification Scheme 2023. Collection method: clinical testing. Allele origin: germline.

NM_000245.4(MET):c.2181C>T (p.Asp727=)

Gene: MET (MET proto-oncogene, receptor tyrosine kinase; plus strand). Cytogenetic location: 7q31.2.
Variant type: single nucleotide variant.
Coding change: c.2181C>T on transcript NM_000245.4 (MANE Select); coding-DNA position 2181, C replaced by T.
Protein change: p.Asp727=; no amino-acid change (aspartic acid 727 retained).
Molecular consequence: synonymous variant.
Genome position (GRCh38, 1-based): chr7:116,758,537, C>T. VCF-style: chr7-116758537-C-T. GRCh37 (hg19) VCF-style: chr7-116398591-C-T.
Other names: c.2181C>T, p.Asp727= (NM_001127500.3, NM_001324401.3); c.891C>T, p.Asp297= (NM_001324402.2).
Identifiers: ClinVar variation 1156493 (VCV001156493.12), dbSNP rs1487292146, ClinGen allele CA457216755.
Genomic context (GRCh38, chr7:116,758,537, plus strand): 5'-TGAATGTTATACCCCAGCCCAAACCATTTCAACTGAGTTTGCTGTTAAATTGAAAATTGA[C>T]TTAGCCAACCGAGAGACAAGCATCTTCAGTTACCGTGAAGATCCCATTGTCTATGAAATT-3'
Protein context (NP_000236.2, residues 717-737): STEFAVKLKI[Asp727=]LANRETSIFS